The following is an entry in ClinVar:

NM_003737.4(DCHS1):c.9881C>G (p.Thr3294Arg)

Gene: DCHS1 (dachsous cadherin-related 1; minus strand). Cytogenetic location: 11p15.4.
Variant type: single nucleotide variant.
Coding change: c.9881C>G on transcript NM_003737.4 (MANE Select); coding-DNA position 9881, C replaced by G.
Protein change: p.Thr3294Arg; replaces threonine 3294 with arginine.
Molecular consequence: missense variant.
Genome position (GRCh38, 1-based): chr11:6,621,795, G>C on the plus strand (C>G on the coding strand, the complement: DCHS1 is on the minus strand). VCF-style: chr11-6621795-G-C. GRCh37 (hg19) VCF-style: chr11-6643026-G-C.
Other names: short protein forms T3294R.
Identifiers: ClinVar variation 3628329 (VCV003628329.2).

ClinVar aggregate classification (germline): Uncertain significance (1 of 4 stars; one submission).

Submission:

Labcorp Genetics (formerly Invitae), Labcorp
Classification: Uncertain significance. Last evaluated: 2024-08-29. Review status: criteria provided, single submitter. Criteria: Invitae Variant Classification Sherloc (09022015). Collection method: clinical testing. Allele origin: germline.
Comment: This sequence change replaces threonine, which is neutral and polar, with arginine, which is basic and polar, at codon 3294 of the DCHS1 protein (p.Thr3294Arg). This variant is not present in population databases (gnomAD no frequency). This variant has not been reported in the literature in individuals affected with DCHS1-related conditions. Invitae Evidence Modeling of protein sequence and biophysical properties (such as structural, functional, and spatial information, amino acid conservation, physicochemical variation, residue mobility, and thermodynamic stability) indicates that this missense variant is not expected to disrupt DCHS1 protein function with a negative predictive value of 95%. In summary, the available evidence is currently insufficient to determine the role of this variant in disease. Therefore, it has been classified as a Variant of Uncertain Significance.